The following is an entry in ClinVar:

ClinVar aggregate classification (germline): Uncertain significance (1 of 4 stars; one submission).

Allele frequency attached by ClinVar (database versions not stated): gnomAD exomes below 0.00001 and 0.00002; gnomAD 0.00001.
gnomAD v4.1: 23 of 1,613,538 alleles (0.0014%); highest among the groups gnomAD compares: Non-Finnish European, 0.0019%; no homozygotes.

Submission:

Labcorp Genetics (formerly Invitae), Labcorp
Classification: Uncertain significance. Last evaluated: 2022-06-13. Review status: criteria provided, single submitter. Criteria: Invitae Variant Classification Sherloc (09022015). Collection method: clinical testing. Allele origin: germline.
Comment: This sequence change replaces isoleucine, which is neutral and non-polar, with valine, which is neutral and non-polar, at codon 426 of the TBXAS1 protein (p.Ile426Val). This variant is present in population databases (no rsID available, gnomAD 0.0009%). This variant has not been reported in the literature in individuals affected with TBXAS1-related conditions. Algorithms developed to predict the effect of missense changes on protein structure and function (SIFT, PolyPhen-2, Align-GVGD) all suggest that this variant is likely to be tolerated. In summary, the available evidence is currently insufficient to determine the role of this variant in disease. Therefore, it has been classified as a Variant of Uncertain Significance.

NM_001061.7(TBXAS1):c.1273A>G (p.Ile425Val)

Gene: TBXAS1 (thromboxane A synthase 1; plus strand). Cytogenetic location: 7q34.
Variant type: single nucleotide variant.
Coding change: c.1273A>G on transcript NM_001061.7 (MANE Select); coding-DNA position 1273, A replaced by G.
Protein change: p.Ile425Val; replaces isoleucine 425 with valine.
Molecular consequence: missense variant.
Genome position (GRCh38, 1-based): chr7:140,015,769, A>G. VCF-style: chr7-140015769-A-G. GRCh37 (hg19) VCF-style: chr7-139715569-A-G.
Other names: c.1273A>G, p.Ile425Val (NM_001130966.5, NM_030984.6); c.1411A>G, p.Ile471Val (NM_001166253.4); c.1072A>G, p.Ile358Val (NM_001166254.4); c.1216A>G, p.Ile406Val (NM_001314028.4); c.1090A>G, p.Ile364Val (NM_001366537.3); short protein forms I364V, I406V, I358V, I471V, I425V.
Identifiers: ClinVar variation 1494190 (VCV001494190.3), dbSNP rs971460206, ClinGen allele CA167959687.